The following is an entry in ClinVar:

NM_004629.2(FANCG):c.320A>G (p.Gln107Arg)

Gene: FANCG (FA complementation group G; minus strand). Cytogenetic location: 9p13.3.
Variant type: single nucleotide variant.
Coding change: c.320A>G on transcript NM_004629.2 (MANE Select); coding-DNA position 320, A replaced by G.
Protein change: p.Gln107Arg; replaces glutamine 107 with arginine.
Molecular consequence: missense variant.
Genome position (GRCh38, 1-based): chr9:35,078,331, T>C on the plus strand (A>G on the coding strand, the complement: FANCG is on the minus strand). VCF-style: chr9-35078331-T-C. GRCh37 (hg19) VCF-style: chr9-35078328-T-C.
Other names: short protein forms Q107R.
Identifiers: ClinVar variation 3848431 (VCV003848431.1).

ClinVar aggregate classification (germline): Uncertain significance (1 of 4 stars; one submission).

Conditions:
Inborn genetic diseases. Identifiers: MedGen C0950123, MeSH D030342.

gnomAD v4.1: 3 of 1,613,518 alleles (0.00019%); highest among the groups gnomAD compares: African/African-American, 0.0013%; no homozygotes.

Submission:

Ambry Genetics
Classification: Uncertain significance for Inborn genetic diseases. Last evaluated: 2025-02-04. Review status: criteria provided, single submitter. Criteria: Ambry Variant Classification Scheme 2023. Collection method: clinical testing. Allele origin: germline.
Comment: The p.Q107R variant (also known as c.320A>G), located in coding exon 4 of the FANCG gene, results from an A to G substitution at nucleotide position 320. The glutamine at codon 107 is replaced by arginine, an amino acid with highly similar properties. This amino acid position is conserved. In addition, the in silico prediction for this alteration is inconclusive. Based on the available evidence, the clinical significance of this variant remains unclear.